The following is an entry in ClinVar:

NM_024876.4(COQ8B):c.1211T>C (p.Val404Ala)

Gene: COQ8B (coenzyme Q8B; minus strand). Cytogenetic location: 19q13.2.
Variant type: single nucleotide variant.
Coding change: c.1211T>C on transcript NM_024876.4 (MANE Select); coding-DNA position 1211, T replaced by C.
Protein change: p.Val404Ala; replaces valine 404 with alanine.
Molecular consequence: missense variant.
Genome position (GRCh38, 1-based): chr19:40,693,036, A>G on the plus strand (T>C on the coding strand, the complement: COQ8B is on the minus strand). VCF-style: chr19-40693036-A-G. GRCh37 (hg19) VCF-style: chr19-41198941-A-G.
Other names: c.1088T>C, p.Val363Ala (NM_001142555.3); short protein forms V404A, V363A.
Identifiers: ClinVar variation 1939698 (VCV001939698.2), dbSNP rs2081986403, ClinGen allele CA405958573.

ClinVar aggregate classification (germline): Uncertain significance (1 of 4 stars; one submission).

Allele frequency attached by ClinVar (database versions not stated): gnomAD 0.00001; gnomAD exomes below 0.00001.
gnomAD v4.1: 3 of 1,613,040 alleles (0.00019%); highest among the groups gnomAD compares: East Asian, 0.0045%; no homozygotes.

Submission:

Labcorp Genetics (formerly Invitae), Labcorp
Classification: Uncertain significance. Last evaluated: 2022-05-19. Review status: criteria provided, single submitter. Criteria: Invitae Variant Classification Sherloc (09022015). Collection method: clinical testing. Allele origin: germline.
Comment: This sequence change replaces valine, which is neutral and non-polar, with alanine, which is neutral and non-polar, at codon 404 of the COQ8B protein (p.Val404Ala). This variant is not present in population databases (gnomAD no frequency). This variant has not been reported in the literature in individuals affected with COQ8B-related conditions. Algorithms developed to predict the effect of missense changes on protein structure and function (SIFT, PolyPhen-2, Align-GVGD) all suggest that this variant is likely to be disruptive. In summary, the available evidence is currently insufficient to determine the role of this variant in disease. Therefore, it has been classified as a Variant of Uncertain Significance.